The following is an entry in ClinVar:

ClinVar aggregate classification (germline): Uncertain significance (1 of 4 stars; one submission).

gnomAD v4.1: 20 of 1,613,510 alleles (0.0012%); highest among the groups gnomAD compares: African/African-American, 0.0053%; no homozygotes.

Submission:

GeneDx
Classification: Uncertain significance. Last evaluated: 2024-12-13. Review status: criteria provided, single submitter. Criteria: GeneDx Variant Classification Process June 2021. Collection method: clinical testing. Allele origin: germline. Affected: yes.
Comment: Not observed at significant frequency in large population cohorts (gnomAD); In silico analysis supports that this missense variant has a deleterious effect on protein structure/function; Has not been previously published as pathogenic or benign to our knowledge

NM_000718.4(CACNA1B):c.3496G>A (p.Ala1166Thr)

Gene: CACNA1B (calcium voltage-gated channel subunit alpha1 B; plus strand). Cytogenetic location: 9q34.3.
Variant type: single nucleotide variant.
Coding change: c.3496G>A on transcript NM_000718.4 (MANE Select); coding-DNA position 3496, G replaced by A.
Protein change: p.Ala1166Thr; replaces alanine 1166 with threonine.
Molecular consequence: missense variant.
Genome position (GRCh38, 1-based): chr9:138,046,986, G>A. VCF-style: chr9-138046986-G-A. GRCh37 (hg19) VCF-style: chr9-140941438-G-A.
Other names: c.3496G>A, p.Ala1166Thr (NM_001243812.2); short protein forms A1166T.
Identifiers: ClinVar variation 3903229 (VCV003903229.1).